The following is an entry in ClinVar:

ClinVar aggregate classification (germline): Uncertain significance. Review status: criteria provided, multiple submitters, no conflicts (2 of 4 stars). 2 submissions from 2 submitters: Uncertain significance (2). Last evaluated 2025-11-10.

Conditions:
Intellectual developmental disorder, autosomal recessive 37. Also called: Intellectual disability-hypotonia-spasticity-sleep disorder syndrome. Identifiers: Orphanet 356996, MedGen C3809672, MONDO:0014210, OMIM 615493.

Allele frequency attached by ClinVar (database versions not stated): gnomAD exomes 0.00001 and below 0.00001; TOPMed below 0.00001; ExAC 0.00001.
gnomAD v4.1: 4 of 1,613,926 alleles (0.00025%); highest among the groups gnomAD compares: Admixed American, 0.0033%; no homozygotes.

Submissions (2):

Dasa
Classification: Uncertain significance for Intellectual developmental disorder, autosomal recessive 37. Last evaluated: 2025-11-10. Review status: criteria provided, single submitter. Criteria: DASA Assertion Criteria. Collection method: clinical testing. Allele origin: germline.
Comment: NM_020987.5(ANK3):c.2704T>C (p.Tyr902His) is a missense variant that results in the substitution of tyrosine with histidine. This variant is rare in population databases. The currently available literature and clinical evidence are not sufficient to establish a definitive association between this variant and the reported condition. Therefore, this variant is classified as a variant of uncertain significance.

Labcorp Genetics (formerly Invitae), Labcorp
Classification: Uncertain significance. Last evaluated: 2022-09-19. Review status: criteria provided, single submitter. Criteria: Invitae Variant Classification Sherloc (09022015). Collection method: clinical testing. Allele origin: germline.
Comment: In summary, the available evidence is currently insufficient to determine the role of this variant in disease. Therefore, it has been classified as a Variant of Uncertain Significance. Advanced modeling of protein sequence and biophysical properties (such as structural, functional, and spatial information, amino acid conservation, physicochemical variation, residue mobility, and thermodynamic stability) has been performed at Invitae for this missense variant, however the output from this modeling did not meet the statistical confidence thresholds required to predict the impact of this variant on ANK3 protein function. ClinVar contains an entry for this variant (Variation ID: 1428159). This variant has not been reported in the literature in individuals affected with ANK3-related conditions. This variant is present in population databases (rs773989200, gnomAD 0.006%). This sequence change replaces tyrosine, which is neutral and polar, with histidine, which is basic and polar, at codon 902 of the ANK3 protein (p.Tyr902His).

NM_020987.5(ANK3):c.2704T>C (p.Tyr902His)

Gene: ANK3 (ankyrin 3; minus strand). Cytogenetic location: 10q21.2.
Variant type: single nucleotide variant.
Coding change: c.2704T>C on transcript NM_020987.5 (MANE Select); coding-DNA position 2704, T replaced by C.
Protein change: p.Tyr902His; replaces tyrosine 902 with histidine.
Molecular consequence: missense variant.
Genome position (GRCh38, 1-based): chr10:60,138,998, A>G on the plus strand (T>C on the coding strand, the complement: ANK3 is on the minus strand). VCF-style: chr10-60138998-A-G. GRCh37 (hg19) VCF-style: chr10-61898756-A-G.
Other names: c.106T>C, p.Tyr36His (NM_001149.4); c.2686T>C, p.Tyr896His (NM_001204403.2); c.2707T>C, p.Tyr903His (NM_001204404.2); c.2704T>C, p.Tyr902His (NM_001320874.2); short protein forms Y896H, Y903H, Y902H, Y36H.
Identifiers: ClinVar variation 1428159 (VCV001428159.8), dbSNP rs773989200, ClinGen allele CA5512692.